The following is an entry in ClinVar:

ClinVar aggregate classification (germline): Likely benign. Review status: criteria provided, multiple submitters, no conflicts (2 of 4 stars). 5 submissions from 5 submitters: Likely benign (4). 1 of the submissions does not count toward it. Last evaluated 2024-06-20.

Conditions:
SLC13A5-related disorder. Also called: SLC13A5-related condition.
Inborn genetic diseases. Identifiers: MedGen C0950123, MeSH D030342.
Developmental and epileptic encephalopathy, 25 (DEE25). Also called: Developmental and epileptic encephalopathy 25, with amelogenesis imperfecta; Epileptic encephalopathy, early infantile, 25, with amelogenesis imperfecta; Epileptic encephalopathy, early infantile, 25. Identifiers: Orphanet 442835, MedGen C4014621, MONDO:0014392, OMIM 615905.

Allele frequency attached by ClinVar (database versions not stated): ExAC 0.00003; gnomAD 0.00003; TOPMed 0.00004.
gnomAD v4.1: 50 of 1,609,734 alleles (0.0031%); highest among the groups gnomAD compares: Non-Finnish European, 0.0037%; no homozygotes.

Submissions (5):

Blueprint Genetics
Classification: Likely benign. Last evaluated: 2024-06-20. Review status: criteria provided, single submitter. Criteria: ACMG Guidelines, 2015. Collection method: clinical testing. Allele origin: germline.

Labcorp Genetics (formerly Invitae), Labcorp
Classification: Likely benign for Developmental and epileptic encephalopathy, 25. Last evaluated: 2023-06-05. Review status: criteria provided, single submitter. Criteria: Invitae Variant Classification Sherloc (09022015). Collection method: clinical testing. Allele origin: germline.

Ambry Genetics
Classification: Likely benign for Inborn genetic diseases. Last evaluated: 2017-06-29. Review status: criteria provided, single submitter. Criteria: Ambry Variant Classification Scheme 2023. Collection method: clinical testing. Allele origin: germline.

GeneDx
Classification: Likely benign. Last evaluated: 2016-02-24. Review status: criteria provided, single submitter. Criteria: GeneDx Variant Classification (06012015). Collection method: clinical testing. Allele origin: germline. Affected: yes.
Comment: This variant is considered likely benign or benign based on one or more of the following criteria: it is a conservative change, it occurs at a poorly conserved position in the protein, it is predicted to be benign by multiple in silico algorithms, and/or has population frequency not consistent with disease.

PreventionGenetics, part of Exact Sciences
Classification: Likely benign for SLC13A5-related condition. Last evaluated: 2019-06-10. Review status: no assertion criteria provided. Collection method: clinical testing. Allele origin: germline. Not counted in ClinVar's aggregate classification.
Comment: This variant is classified as likely benign based on ACMG/AMP sequence variant interpretation guidelines (Richards et al. 2015 PMID: 25741868, with internal and published modifications).

NM_177550.5(SLC13A5):c.1290C>T (p.Ser430=)

Gene: SLC13A5 (solute carrier family 13 member 5; minus strand). Cytogenetic location: 17p13.1.
Variant type: single nucleotide variant.
Coding change: c.1290C>T on transcript NM_177550.5 (MANE Select); coding-DNA position 1290, C replaced by T.
Protein change: p.Ser430=; no amino-acid change (serine 430 retained).
Molecular consequence: synonymous variant.
Genome position (GRCh38, 1-based): chr17:6,690,926, G>A on the plus strand (C>T on the coding strand, the complement: SLC13A5 is on the minus strand). VCF-style: chr17-6690926-G-A. GRCh37 (hg19) VCF-style: chr17-6594245-G-A.
Other names: c.1290C>T, p.Ser430= (NM_001143838.3); c.1239C>T, p.Ser413= (NM_001284509.2); c.1161C>T, p.Ser387= (NM_001284510.2).
Identifiers: ClinVar variation 383885 (VCV000383885.17), dbSNP rs756166033, ClinGen allele CA8331424.
Genomic context (GRCh38, chr17:6,690,926, plus strand): 5'-CAAGGTGATGGCTGCCGGGGGCACTGCGTGCAAGGGCTCCATCTGCTTCCCCATCCACAC[G>A]GACAGCCCCGAGGCCTGGGAAGCACCAGGAGGGCAGTCATCTCAGCGCTCCCAGCTTGCA-3'
Protein context (NP_808218.1, residues 420-440): LAKGSEASGL[Ser430=]VWMGKQMEPL